The following is an entry in ClinVar:

NM_000748.3(CHRNB2):c.848T>C (p.Ile283Thr)

Gene: CHRNB2 (cholinergic receptor nicotinic beta 2 subunit; plus strand). Cytogenetic location: 1q21.3.
Variant type: single nucleotide variant.
Coding change: c.848T>C on transcript NM_000748.3 (MANE Select); coding-DNA position 848, T replaced by C.
Protein change: p.Ile283Thr; replaces isoleucine 283 with threonine.
Molecular consequence: missense variant.
Genome position (GRCh38, 1-based): chr1:154,571,671, T>C. VCF-style: chr1-154571671-T-C. GRCh37 (hg19) VCF-style: chr1-154544147-T-C.
Other names: p.I283T:ATC>ACC; short protein forms I283T.
Identifiers: ClinVar variation 205072 (VCV000205072.2), dbSNP rs796052327, ClinGen allele CA313661.
Genomic context (GRCh38, chr1:154,571,671, plus strand): 5'-GCGAGAAGATGACGTTGTGCATCTCAGTGCTGCTGGCGCTCACGGTCTTCCTGCTGCTCA[T>C]CTCCAAGATCGTGCCTCCCACCTCCCTCGACGTGCCGCTCGTCGGCAAGTACCTCATGTT-3'
Protein context (NP_000739.1, residues 273-293): LLALTVFLLL[Ile283Thr]SKIVPPTSLD

ClinVar aggregate classification (germline): Uncertain significance (1 of 4 stars; one submission).

Submission:

GeneDx
Classification: Uncertain significance. Last evaluated: 2015-07-21. Review status: criteria provided, single submitter. Criteria: GeneDx Variant Classification (06012015). Collection method: clinical testing. Allele origin: germline. Affected: yes.
Comment: p.Ile283Thr (ATC>ACC): c.848 T>C in exon 5 of the CHRNB2 gene (NM_000748.2). The I283T variant has not been published as a mutation, nor has it been reported as a benign polymorphism to our knowledge. It was not observed in approximately 6,500 individuals of European and African American ancestry in the NHLBI Exome Sequencing Project, indicating it is not a common benign variant in these populations. The I283T variant is a non-conservative amino acid substitution, which is likely to impact secondary protein structure as these residues differ in polarity, charge, size and/or other properties. This substitution alters a conserved position in the second transmembrane domain of the CHRNB2 protein. In silico analysis predicts this variant is probably damaging to the protein structure/function. However, no nearby missense mutations have been reported in this region of the protein. Therefore, based on the currently available information, it is unclear whether this variant is a pathogenic mutation or a rare benign variant. The variant is found in EPILEPSY panel(s).